The following is an entry in ClinVar:

ClinVar aggregate classification (germline): Benign/Likely benign. Review status: criteria provided, multiple submitters, no conflicts (2 of 4 stars). 9 submissions from 9 submitters: Benign (4); Likely benign (3). 2 of the submissions do not count toward it. Last evaluated 2026-02-03.

Allele frequency attached by ClinVar (database versions not stated): 1000 Genomes Project 30x 0.00047; 1000 Genomes Project 0.00060; TOPMed 0.00116; ESP Exome Variant Server 0.00142; gnomAD exomes 0.00212 and 0.00255; gnomAD 0.00237 and 0.00256; ExAC 0.00272.
gnomAD v4.1: 3,460 of 1,613,634 alleles (0.21%); highest among the groups gnomAD compares: Non-Finnish European, 0.19%; 12 homozygotes.

Submissions (9):

Labcorp Genetics (formerly Invitae), Labcorp
Classification: Benign. Last evaluated: 2026-02-03. Review status: criteria provided, single submitter. Criteria: Invitae Variant Classification Sherloc (09022015). Collection method: clinical testing. Allele origin: germline.

Blueprint Genetics
Classification: Likely benign. Last evaluated: 2024-11-20. Review status: criteria provided, single submitter. Criteria: ACMG Guidelines, 2015. Collection method: clinical testing. Allele origin: germline.

CeGaT Center for Human Genetics Tuebingen
Classification: Likely benign. Last evaluated: 2022-12-01. Review status: criteria provided, single submitter. Criteria: CeGaT Center For Human Genetics Tuebingen Variant Classification Criteria Version 2. Collection method: clinical testing. Allele origin: germline. Affected: yes. Observed: 1 variant allele.
Comment: A2ML1: BP4, BP7

Ambry Genetics
Classification: Likely benign. Last evaluated: 2022-02-11. Review status: criteria provided, single submitter. Criteria: Ambry Variant Classification Scheme 2023. Collection method: clinical testing. Allele origin: germline.

Women's Health and Genetics/Laboratory Corporation of America, LabCorp
Classification: Benign. Last evaluated: 2019-09-14. Review status: criteria provided, single submitter. Criteria: LabCorp Variant Classification Summary - May 2015. Collection method: clinical testing. Allele origin: germline.

GeneDx
Classification: Benign. Last evaluated: 2017-01-12. Review status: criteria provided, single submitter. Criteria: GeneDx Variant Classification (06012015). Collection method: clinical testing. Allele origin: germline. Affected: yes.
Comment: This variant is considered likely benign or benign based on one or more of the following criteria: it is a conservative change, it occurs at a poorly conserved position in the protein, it is predicted to be benign by multiple in silico algorithms, and/or has population frequency not consistent with disease.

Breakthrough Genomics
Classification: Benign. Review status: criteria provided, single submitter. Criteria: ACMG Guidelines, 2015. Collection method: not provided. Allele origin: germline. Inheritance: Autosomal dominant inheritance. Affected: yes.

Joint Genome Diagnostic Labs from Nijmegen and Maastricht, Radboudumc and MUMC+
Classification: Likely benign. Review status: no assertion criteria provided. Collection method: clinical testing. Allele origin: germline. Affected: yes. Study: VKGL Data-share Consensus. Not counted in ClinVar's aggregate classification.

Laboratory of Diagnostic Genome Analysis, Leiden University Medical Center (LUMC)
Classification: Likely benign. Review status: no assertion criteria provided. Collection method: clinical testing. Allele origin: germline. Affected: yes. Study: VKGL Data-share Consensus. Not counted in ClinVar's aggregate classification.

NM_144670.6(A2ML1):c.1050T>C (p.Phe350=)

Gene: A2ML1 (alpha-2-macroglobulin like 1; plus strand). Cytogenetic location: 12p13.31.
Variant type: single nucleotide variant.
Coding change: c.1050T>C on transcript NM_144670.6 (MANE Select); coding-DNA position 1050, T replaced by C.
Protein change: p.Phe350=; no amino-acid change (phenylalanine 350 retained).
Molecular consequence: synonymous variant.
Genome position (GRCh38, 1-based): chr12:8,839,192, T>C. VCF-style: chr12-8839192-T-C. GRCh37 (hg19) VCF-style: chr12-8991788-T-C.
Identifiers: ClinVar variation 390945 (VCV000390945.43), dbSNP rs201247776, ClinGen allele CA6435520.
Genomic context (GRCh38, chr12:8,839,192, plus strand): 5'-TCAGAATATCTACATTTCTCCACAAATGGGATCAATGACCTTTGAAGACACCAGCAATTT[T>C]TACCATCCAAATTTCCCCTTCAGTGGGAAGGTATGTTAAAACTTTTCTCTGCATAGACAA-3'
Protein context (NP_653271.3, residues 340-360): GSMTFEDTSN[Phe350=]YHPNFPFSGK